The following is an entry in ClinVar:

NM_016312.3(WBP11):c.247A>T (p.Lys83Ter)

Gene: WBP11 (WW domain binding protein 11; minus strand). Cytogenetic location: 12p12.3.
Variant type: single nucleotide variant.
Coding change: c.247A>T on transcript NM_016312.3 (MANE Select); coding-DNA position 247, A replaced by T.
Protein change: p.Lys83Ter; replaces lysine 83 with a stop codon.
Molecular consequence: nonsense.
Genome position (GRCh38, 1-based): chr12:14,796,947, T>A on the plus strand (A>T on the coding strand, the complement: WBP11 is on the minus strand). VCF-style: chr12-14796947-T-A. GRCh37 (hg19) VCF-style: chr12-14949881-T-A.
Other names: short protein forms K83*.
Identifiers: ClinVar variation 4819100 (VCV004819100.1).
Genomic context (GRCh38, chr12:14,796,947, plus strand): 5'-TATCTGGATTCTCTTTTTCATAGAGTCGTAGAATACGTTCAAAGGTTTCACGCAGCTTTT[T>A]ACGCTTGTCTTTCAGTACTTTCTCATTTAATTGTGGCTGTTGCACTGGGTTAAACTCTAA-3'

ClinVar aggregate classification (germline): Likely pathogenic (1 of 4 stars; one submission).

Conditions:
Vertebral, cardiac, tracheoesophageal, renal, and limb defects. Also called: VCTERL SYNDROME. Identifiers: MedGen C5543189, MONDO:0030987, OMIM 619227.

Submission:

Department of Medical Genetics, International Peace Maternity and Child Health Hospital, Shanghai Jiao Tong University School of Medicine
Classification: Likely pathogenic for Vertebral, cardiac, tracheoesophageal, renal, and limb defects. Last evaluated: 2026-03-24. Review status: criteria provided, single submitter. Criteria: ACMG Guidelines, 2015. Collection method: clinical testing. Allele origin: paternal. Affected: yes. Observed: 1 variant allele.
Comment: The variant resides closer to the N-terminus of the full-length 641-amino-acid WBP11 protein, it is likely to trigger nonsense-mediated mRNA decay (NMD)(PVS1) and has not been included in gnomAD database (PM2_P)